The following is an entry in ClinVar:

ClinVar aggregate classification (germline): Uncertain significance (1 of 4 stars; one submission).

Conditions:
Cardiovascular phenotype. Identifiers: MedGen CN230736.

Submission:

Ambry Genetics
Classification: Uncertain significance for Cardiovascular phenotype. Last evaluated: 2022-12-17. Review status: criteria provided, single submitter. Criteria: Ambry Variant Classification Scheme 2023. Collection method: clinical testing. Allele origin: germline.
Comment: The p.R510G variant (also known as c.1528A>G), located in coding exon 10 of the LMF1 gene, results from an A to G substitution at nucleotide position 1528. The arginine at codon 510 is replaced by glycine, an amino acid with dissimilar properties. This amino acid position is conserved. In addition, the in silico prediction for this alteration is inconclusive. Since supporting evidence is limited at this time, the clinical significance of this alteration remains unclear.

NM_022773.4(LMF1):c.1528A>G (p.Arg510Gly)

Gene: LMF1 (lipase maturation factor 1; minus strand). Cytogenetic location: 16p13.3.
Variant type: single nucleotide variant.
Coding change: c.1528A>G on transcript NM_022773.4 (MANE Select); coding-DNA position 1528, A replaced by G.
Protein change: p.Arg510Gly; replaces arginine 510 with glycine.
Molecular consequence: missense variant. On other transcripts: non-coding transcript variant (1).
Genome position (GRCh38, 1-based): chr16:868,945, T>C on the plus strand (A>G on the coding strand, the complement: LMF1 is on the minus strand). VCF-style: chr16-868945-T-C. GRCh37 (hg19) VCF-style: chr16-918945-T-C.
Other names: c.877A>G, p.Arg293Gly (NM_001352017.2, NM_001352021.2); c.1129A>G, p.Arg377Gly (NM_001352018.2); c.1201A>G, p.Arg401Gly (NM_001352019.2); c.1448A>G, p.Gln483Arg (NM_001352020.1); short protein forms R401G, R510G, Q483R, R293G, R377G.
Identifiers: ClinVar variation 2451797 (VCV002451797.2), dbSNP rs2544486376, ClinGen allele CA394121178.